The following is an entry in ClinVar:

ClinVar aggregate classification (germline): Uncertain significance (1 of 4 stars; one submission).

Conditions:
Inborn genetic diseases. Identifiers: MedGen C0950123, MeSH D030342.

Submission:

Ambry Genetics
Classification: Uncertain significance for Inborn genetic diseases. Last evaluated: 2026-05-24. Review status: criteria provided, single submitter. Criteria: Ambry Variant Classification Scheme 2023. Collection method: clinical testing. Allele origin: germline.
Comment: The p.I259T variant (also known as c.776T>C), located in coding exon 7 of the CEP57 gene, results from a T to C substitution at nucleotide position 776. The isoleucine at codon 259 is replaced by threonine, an amino acid with similar properties. This amino acid position is conserved. In addition, this alteration is predicted to be tolerated by in silico analysis. Based on the available evidence, the clinical significance of this variant remains unclear.

NM_014679.5(CEP57):c.776T>C (p.Ile259Thr)

Gene: CEP57 (centrosomal protein 57; plus strand). Cytogenetic location: 11q21.
Variant type: single nucleotide variant.
Coding change: c.776T>C on transcript NM_014679.5 (MANE Select); coding-DNA position 776, T replaced by C.
Protein change: p.Ile259Thr; replaces isoleucine 259 with threonine.
Molecular consequence: missense variant. On other transcripts: intron variant (5).
Genome position (GRCh38, 1-based): chr11:95,821,947, T>C. VCF-style: chr11-95821947-T-C. GRCh37 (hg19) VCF-style: chr11-95555111-T-C.
Other names: c.578T>C, p.Ile193Thr (NM_001440878.1, NM_001440877.1); c.515T>C, p.Ile172Thr (NM_001440880.1); c.479T>C, p.Ile160Thr (NM_001440881.1); c.700-552T>C (NM_001440871.1); c.699+3043T>C (NM_001440874.1); c.583-552T>C (NM_001440879.1); c.582+3043T>C (NM_001440882.1); c.619-552T>C (NM_001440875.1); and 5 more; short protein forms I160T, I172T, I193T, I199T, I220T, I232T, I250T, I259T.
Identifiers: ClinVar variation 4868777 (VCV004868777.1).